The following is an entry in ClinVar:

ClinVar aggregate classification (germline): Benign. Review status: criteria provided, single submitter (1 of 4 stars). 2 submissions from 2 submitters: Benign (1). 1 of the submissions does not count toward it.

Allele frequency attached by ClinVar (database versions not stated): 1000 Genomes Project 0.06889; gnomAD 0.04202 and 0.04409; ExAC 0.05990; 1000 Genomes Project 30x 0.06730; TOPMed 0.04214; gnomAD exomes 0.04605 and 0.06348; ESP Exome Variant Server 0.02939.
gnomAD v4.1: 73,779 of 1,607,280 alleles (4.6%); highest among the groups gnomAD compares: East Asian, 18%; 2,686 homozygotes.

Submissions (2):

Breakthrough Genomics
Classification: Benign. Review status: criteria provided, single submitter. Criteria: ACMG Guidelines, 2015. Collection method: not provided. Allele origin: germline. Inheritance: Autosomal dominant inheritance. Affected: yes.

Genetic Services Laboratory, University of Chicago
Classification: Likely benign for AllHighlyPenetrant. Review status: no assertion criteria provided. Collection method: clinical testing. Allele origin: germline. Inheritance: Autosomal dominant inheritance. Not counted in ClinVar's aggregate classification.
Comment: Likely benign based on allele frequency in 1000 Genomes Project or ESP global frequency and its presence in a patient with a rare or unrelated disease phenotype. NOT Sanger confirmed.

NM_004933.3(CDH15):c.174C>T (p.His58=)

Gene: CDH15 (cadherin 15; plus strand). Cytogenetic location: 16q24.3.
Variant type: single nucleotide variant.
Coding change: c.174C>T on transcript NM_004933.3 (MANE Select); coding-DNA position 174, C replaced by T.
Protein change: p.His58=; no amino-acid change (histidine 58 retained).
Molecular consequence: synonymous variant.
Genome position (GRCh38, 1-based): chr16:89,179,547, C>T. VCF-style: chr16-89179547-C-T. GRCh37 (hg19) VCF-style: chr16-89245955-C-T.
Identifiers: ClinVar variation 128645 (VCV000128645.7), dbSNP rs2287358, ClinGen allele CA152230.